The following is an entry in ClinVar:

ClinVar aggregate classification (germline): Uncertain significance (1 of 4 stars; one submission).

Conditions:
Glycine encephalopathy. Also called: Non-ketotic hyperglycinemia; Nonketotic hyperglycinemia. Identifiers: Orphanet 407, MedGen C0751748, MONDO:0011612, HP:0008288.

gnomAD v4.1: 25 of 1,611,444 alleles (0.0016%); highest among the groups gnomAD compares: Non-Finnish European, 0.0021%; no homozygotes.

Submission:

Labcorp Genetics (formerly Invitae), Labcorp
Classification: Uncertain significance for Glycine encephalopathy. Last evaluated: 2021-10-24. Review status: criteria provided, single submitter. Criteria: Invitae Variant Classification Sherloc (09022015). Collection method: clinical testing. Allele origin: germline.
Comment: In summary, the available evidence is currently insufficient to determine the role of this variant in disease. Therefore, it has been classified as a Variant of Uncertain Significance. Advanced modeling of protein sequence and biophysical properties (such as structural, functional, and spatial information, amino acid conservation, physicochemical variation, residue mobility, and thermodynamic stability) performed at Invitae indicates that this missense variant is not expected to disrupt GLDC protein function. This variant has not been reported in the literature in individuals affected with GLDC-related conditions. This variant is not present in population databases (ExAC no frequency). This sequence change replaces arginine with methionine at codon 1017 of the GLDC protein (p.Arg1017Met). The arginine residue is moderately conserved and there is a moderate physicochemical difference between arginine and methionine.

NM_000170.3(GLDC):c.3050G>T (p.Arg1017Met)

Gene: GLDC (glycine decarboxylase; minus strand). Cytogenetic location: 9p24.1.
Variant type: single nucleotide variant.
Coding change: c.3050G>T on transcript NM_000170.3 (MANE Select); coding-DNA position 3050, G replaced by T.
Protein change: p.Arg1017Met; replaces arginine 1017 with methionine.
Molecular consequence: missense variant.
Genome position (GRCh38, 1-based): chr9:6,533,030, C>A on the plus strand (G>T on the coding strand, the complement: GLDC is on the minus strand). VCF-style: chr9-6533030-C-A. GRCh37 (hg19) VCF-style: chr9-6533030-C-A.
Other names: short protein forms R1017M.
Identifiers: ClinVar variation 1345532 (VCV001345532.6), dbSNP rs1294726700, ClinGen allele CA372881506.